The following is an entry in ClinVar:

NM_016333.4(SRRM2):c.8107C>A (p.Pro2703Thr)

Gene: SRRM2 (serine/arginine repetitive matrix 2; plus strand). Cytogenetic location: 16p13.3.
Variant type: single nucleotide variant.
Coding change: c.8107C>A on transcript NM_016333.4 (MANE Select); coding-DNA position 8107, C replaced by A.
Protein change: p.Pro2703Thr; replaces proline 2703 with threonine.
Molecular consequence: missense variant.
Genome position (GRCh38, 1-based): chr16:2,770,437, C>A. VCF-style: chr16-2770437-C-A. GRCh37 (hg19) VCF-style: chr16-2820438-C-A.
Other names: short protein forms P2703T.
Identifiers: ClinVar variation 5017971 (VCV005017971.1).

ClinVar aggregate classification (germline): Uncertain significance (1 of 4 stars; one submission).

Submission:

GeneDx
Classification: Uncertain significance. Last evaluated: 2026-03-31. Review status: criteria provided, single submitter. Criteria: GeneDx Variant Classification Process June 2021. Collection method: clinical testing. Allele origin: germline.
Comment: Not observed at significant frequency in large population cohorts (gnomAD); In silico analysis suggests that this missense variant does not alter protein structure/function; Has not been previously published as pathogenic or benign to our knowledge